The following is an entry in ClinVar:

NM_130384.3(ATRIP):c.2091G>C (p.Gln697His)

Genes: ATRIP (ATR interacting protein; plus strand), ATRIP-TREX1 (ATRIP-TREX1 readthrough; plus strand). Cytogenetic location: 3p21.31.
Variant type: single nucleotide variant.
Coding change: c.2091G>C on transcript NM_130384.3 (MANE Select); coding-DNA position 2091, G replaced by C.
Protein change: p.Gln697His; replaces glutamine 697 with histidine.
Molecular consequence: missense variant. On other transcripts: non-coding transcript variant (1).
Genome position (GRCh38, 1-based): chr3:48,464,866, G>C. VCF-style: chr3-48464866-G-C. GRCh37 (hg19) VCF-style: chr3-48506265-G-C.
Other names: c.1710G>C, p.Gln570His (NM_001271022.2); c.1812G>C, p.Gln604His (NM_001271023.2); c.2010G>C, p.Gln670His (NM_032166.4); short protein forms Q570H, Q697H, Q604H, Q670H.
Identifiers: ClinVar variation 5032444 (VCV005032444.1).

ClinVar aggregate classification (germline): Uncertain significance (1 of 4 stars; one submission).

Submission:

Ambry Genetics
Classification: Uncertain significance. Last evaluated: 2026-08-02. Review status: criteria provided, single submitter. Criteria: Ambry Variant Classification Scheme 2023. Collection method: clinical testing. Allele origin: germline.
Comment: The p.Q697H variant (also known as c.2091G>C), located in coding exon 12 of the ATRIP gene, results from a G to C substitution at nucleotide position 2091. The glutamine at codon 697 is replaced by histidine, an amino acid with highly similar properties. This amino acid position is conserved. In addition, the in silico prediction for this alteration is inconclusive. Based on the available evidence, the clinical significance of this variant remains unclear.